The following is an entry in ClinVar:

ClinVar aggregate classification (germline): Conflicting classifications of pathogenicity. Review status: criteria provided, conflicting classifications (1 of 4 stars). 3 submissions from 3 submitters: Uncertain significance (1); Likely benign (1). 1 of the submissions does not count toward it. Last evaluated 2025-10-07.

Conditions:
SH3PXD2B-related disorder. Also called: SH3PXD2B-related condition.
Frank-Ter Haar syndrome. Also called: Borrone di Rocco Crovato syndrome; TER HAAR SYNDROME; MELNICK-NEEDLES SYNDROME, AUTOSOMAL RECESSIVE; BORRONE DERMATOCARDIOSKELETAL SYNDROME. Identifiers: Orphanet 1266, Orphanet 137834, MedGen C1855305, MONDO:0009579, OMIM 249420.

Allele frequency attached by ClinVar (database versions not stated): gnomAD 0.00004 and 0.00005; TOPMed 0.00005; gnomAD exomes 0.00007; ExAC 0.00011; ESP Exome Variant Server 0.00023.

Submissions (3):

Labcorp Genetics (formerly Invitae), Labcorp
Classification: Likely benign. Last evaluated: 2025-10-07. Review status: criteria provided, single submitter. Criteria: Invitae Variant Classification Sherloc (09022015). Collection method: clinical testing. Allele origin: germline.

Illumina Laboratory Services, Illumina
Classification: Uncertain significance for Frank-Ter Haar syndrome. Last evaluated: 2018-01-12. Review status: criteria provided, single submitter. Criteria: ICSL Variant Classification Criteria 13 December 2019. Collection method: clinical testing. Allele origin: germline.

PreventionGenetics, part of Exact Sciences
Classification: Likely benign for SH3PXD2B-related condition. Last evaluated: 2022-03-01. Review status: no assertion criteria provided. Collection method: clinical testing. Allele origin: germline. Not counted in ClinVar's aggregate classification.
Comment: This variant is classified as likely benign based on ACMG/AMP sequence variant interpretation guidelines (Richards et al. 2015 PMID: 25741868, with internal and published modifications).

NM_001017995.3(SH3PXD2B):c.2454G>A (p.Thr818=)

Gene: SH3PXD2B (SH3 and PX domains 2B; minus strand). Cytogenetic location: 5q35.1.
Variant type: single nucleotide variant.
Coding change: c.2454G>A on transcript NM_001017995.3 (MANE Select); coding-DNA position 2454, G replaced by A.
Protein change: p.Thr818=; no amino-acid change (threonine 818 retained).
Molecular consequence: synonymous variant. On other transcripts: intron variant (1).
Genome position (GRCh38, 1-based): chr5:172,338,651, C>T on the plus strand (G>A on the coding strand, the complement: SH3PXD2B is on the minus strand). VCF-style: chr5-172338651-C-T. GRCh37 (hg19) VCF-style: chr5-171765655-C-T.
Other names: c.1188+7485G>A (NM_001308175.2).
Identifiers: ClinVar variation 907260 (VCV000907260.13), dbSNP rs147491999, ClinGen allele CA3560957.
Genomic context (GRCh38, chr5:172,338,651, plus strand): 5'-TTTCTCCCTGTTTTCTCCAATCTTGCCGGTCCCCCATGGCCCCAGGCTGCCTTTGCCTCG[C>T]GTGTCATCCTGGCCCCCCAAAGAGTTGGAGAGAAAAGGTTTGGCTTTTGGAGGGACGAGG-3'
Protein context (NP_001017995.1, residues 808-828): LSNSLGGQDD[Thr818=]RGKGSLGPWG